The following is an entry in ClinVar:

ClinVar aggregate classification (germline): Uncertain significance. Review status: criteria provided, multiple submitters, no conflicts (2 of 4 stars). 3 submissions from 3 submitters: Uncertain significance (3). Last evaluated 2024-11-06.

Conditions:
Developmental and epileptic encephalopathy. Identifiers: MedGen C5779964, MONDO:0100620.

Allele frequency attached by ClinVar (database versions not stated): ExAC 0.00001; TOPMed 0.00001; gnomAD exomes 0.00002; gnomAD 0.00003; ESP Exome Variant Server 0.00008.
gnomAD v4.1: 30 of 1,611,508 alleles (0.0019%); highest among the groups gnomAD compares: South Asian, 0.0033%; no homozygotes.

Submissions (3):

Blueprint Genetics
Classification: Uncertain significance. Last evaluated: 2024-11-06. Review status: criteria provided, single submitter. Criteria: ACMG Guidelines, 2015. Collection method: clinical testing. Allele origin: germline.

Labcorp Genetics (formerly Invitae), Labcorp
Classification: Uncertain significance for Early-infantile DEE. Last evaluated: 2023-10-03. Review status: criteria provided, single submitter. Criteria: Invitae Variant Classification Sherloc (09022015). Collection method: clinical testing. Allele origin: germline.
Comment: This sequence change replaces lysine, which is basic and polar, with arginine, which is basic and polar, at codon 345 of the ST3GAL3 protein (p.Lys345Arg). This variant is present in population databases (rs372719675, gnomAD 0.007%). This variant has not been reported in the literature in individuals affected with ST3GAL3-related conditions. ClinVar contains an entry for this variant (Variation ID: 287560). Algorithms developed to predict the effect of missense changes on protein structure and function output the following: SIFT: "Not Available"; PolyPhen-2: "Benign"; Align-GVGD: "Not Available". The arginine amino acid residue is found in multiple mammalian species, which suggests that this missense change does not adversely affect protein function. In summary, the available evidence is currently insufficient to determine the role of this variant in disease. Therefore, it has been classified as a Variant of Uncertain Significance.

Eurofins Ntd Llc (ga)
Classification: Uncertain significance. Last evaluated: 2016-06-07. Review status: criteria provided, single submitter. Criteria: EGL Classification Definitions 2015. Collection method: clinical testing. Allele origin: germline. Observed: 1 variant allele, 1 heterozygote.

NM_006279.5(ST3GAL3):c.1034A>G (p.Lys345Arg)

Gene: ST3GAL3 (ST3 beta-galactoside alpha-2,3-sialyltransferase 3; plus strand). Cytogenetic location: 1p34.1.
Variant type: single nucleotide variant.
Coding change: c.1034A>G on transcript NM_006279.5 (MANE Select); coding-DNA position 1034, A replaced by G.
Protein change: p.Lys345Arg; replaces lysine 345 with arginine.
Molecular consequence: missense variant. On other transcripts: non-coding transcript variant (6), intron variant (11).
Genome position (GRCh38, 1-based): chr1:43,920,924, A>G. VCF-style: chr1-43920924-A-G. GRCh37 (hg19) VCF-style: chr1-44386596-A-G.
Other names: c.944A>G, p.Lys315Arg (NM_001270459.2); c.941A>G, p.Lys314Arg (NM_001270460.2); c.1079A>G, p.Lys360Arg (NM_001350619.2, NM_174964.4); c.1034A>G, p.Lys345Arg (NM_001350620.2); c.755A>G, p.Lys252Arg (NM_001350621.2); c.1241A>G, p.Lys414Arg (NM_174963.5); c.1196A>G, p.Lys399Arg (NM_174968.5); c.986A>G, p.Lys329Arg (NM_174969.4); and 12 more; short protein forms K345R, K414R, K314R, K315R, K383R, K329R, K360R, K399R.
Identifiers: ClinVar variation 287560 (VCV000287560.13), dbSNP rs372719675, ClinGen allele CA814864.